The following is an entry in ClinVar:

NM_019026.6(TMCO1):c.346A>G (p.Lys116Glu)

Gene: TMCO1 (transmembrane and coiled-coil domains 1; minus strand). Cytogenetic location: 1q24.1.
Variant type: single nucleotide variant.
Coding change: c.346A>G on transcript NM_019026.6 (MANE Select); coding-DNA position 346, A replaced by G.
Protein change: p.Lys116Glu; replaces lysine 116 with glutamic acid.
Molecular consequence: missense variant. On other transcripts: non-coding transcript variant (1).
Genome position (GRCh38, 1-based): chr1:165,743,289, T>C on the plus strand (A>G on the coding strand, the complement: TMCO1 is on the minus strand). VCF-style: chr1-165743289-T-C. GRCh37 (hg19) VCF-style: chr1-165712526-T-C.
Other names: K116E; NP_061899.3:p.(Lys116Glu); p.Lys116Glu; c.397A>G, p.Lys133Glu (NM_001256164.1); c.310A>G, p.Lys104Glu (NM_001256165.1); short protein forms K104E, K133E.
Identifiers: ClinVar variation 4880283 (VCV004880283.1).

ClinVar aggregate classification (germline): Uncertain significance (1 of 4 stars; one submission).

Conditions:
Premature ovarian insufficiency (POF). Also called: Premature ovarian failure. Identifiers: MedGen C4303540, HP:0008209.

gnomAD v4.1: 1 of 1,613,382 alleles (0.000062%); highest among the groups gnomAD compares: Non-Finnish European, 0.000085%; no homozygotes.

Submission:

Department of Obstetrics and Gynecology, Beijing Friendship Hospital, Capital Medical University
Classification: Uncertain significance for Primary ovarian failure. Last evaluated: 2026-07-23. Review status: criteria provided, single submitter. Criteria: ACMG Guidelines, 2015. Collection method: research. Allele origin: germline. Affected: yes. Observed: 1 variant allele.
Comment: The variant is extremely rare in ExAC and gnomAD and absent from PGG.Han. Lys116 is evolutionarily conserved, and multiple in silico tools predict a deleterious effect. Preliminary KGN granulosa-cell experiments suggest altered TMCO1 oligomerization/tetramer assembly, but the assay is exploratory and has not established a validated variant-specific functional effect. Parental samples were unavailable, so de novo status and segregation could not be assessed. Because the human TMCO1–POI gene-disease relationship and the pathogenic role of this single missense variant remain unconfirmed, the variant is classified as a variant of uncertain significance under the ACMG/AMP 2015 framework. This is a research submission based on a single Sanger-confirmed case. The finding is hypothesis-generating and should not be used as a stand-alone basis for clinical diagnosis, predictive testing, or familial cascade testing.